The following is an entry in ClinVar:

NM_001367624.2(ZNF469):c.1406G>C (p.Ser469Thr)

Gene: ZNF469 (zinc finger protein 469; plus strand). Cytogenetic location: 16q24.2.
Variant type: single nucleotide variant.
Coding change: c.1406G>C on transcript NM_001367624.2 (MANE Select); coding-DNA position 1406, G replaced by C.
Protein change: p.Ser469Thr; replaces serine 469 with threonine.
Molecular consequence: missense variant.
Genome position (GRCh38, 1-based): chr16:88,428,876, G>C. VCF-style: chr16-88428876-G-C. GRCh37 (hg19) VCF-style: chr16-88495284-G-C.
Other names: NM_001127464.1:c.1406G>C; NM_001127464.2:c.1406G>C; short protein forms S469T.
Identifiers: ClinVar variation 506649 (VCV000506649.25), dbSNP rs770926082, ClinGen allele CA8224673.
Genomic context (GRCh38, chr16:88,428,876, plus strand): 5'-CCACACCTCCTGGGGGCCCCCTGGCTGCCACCAGGAGTATGTTCTTTAACGGCCAGCCCA[G>C]CCCAGGCCAGCGGCTCTGCCTCCCCCAGAGTGCCCCCCTGCCTTGGCCCCAAGTGCTCCC-3'
Protein context (NP_001354553.1, residues 459-479): TRSMFFNGQP[Ser469Thr]PGQRLCLPQS

ClinVar aggregate classification (germline): Conflicting classifications of pathogenicity. Review status: criteria provided, conflicting classifications (1 of 4 stars). 6 submissions from 6 submitters: Uncertain significance (2); Likely benign (4). Last evaluated 2025-08-06.

Conditions:
Cardiovascular phenotype. Identifiers: MedGen CN230736.
Ehlers-Danlos syndrome (EDS). Identifiers: Orphanet 98249, MedGen C0013720, MONDO:0020066.
ZNF469-related disorder. Also called: ZNF469-related condition.

Allele frequency attached by ClinVar (database versions not stated): gnomAD exomes 0.00011; 1000 Genomes Project 30x 0.00016; ExAC 0.00023; gnomAD 0.00056 and 0.00063; TOPMed 0.00068.
gnomAD v4.1: 179 of 1,548,246 alleles (0.012%); highest among the groups gnomAD compares: African/African-American, 0.22%; 1 homozygote.

Submissions (6):

PreventionGenetics, part of Exact Sciences
Classification: Likely benign for ZNF469-related condition. Last evaluated: 2025-08-06. Review status: criteria provided, single submitter. Criteria: ACMG Guidelines, 2015. Collection method: clinical testing. Allele origin: germline.
Comment: This variant is classified as likely benign based on ACMG/AMP sequence variant interpretation guidelines (Richards et al. 2015 PMID: 25741868, with internal and published modifications).

CeGaT Center for Human Genetics Tuebingen
Classification: Uncertain significance. Last evaluated: 2025-01-01. Review status: criteria provided, single submitter. Criteria: CeGaT Center For Human Genetics Tuebingen Variant Classification Criteria Version 2. Collection method: clinical testing. Allele origin: germline. Affected: yes. Observed: 1 variant allele.

Labcorp Genetics (formerly Invitae), Labcorp
Classification: Uncertain significance. Last evaluated: 2024-12-16. Review status: criteria provided, single submitter. Criteria: Invitae Variant Classification Sherloc (09022015). Collection method: clinical testing. Allele origin: germline.
Comment: This sequence change replaces serine, which is neutral and polar, with threonine, which is neutral and polar, at codon 469 of the ZNF469 protein (p.Ser469Thr). This variant is present in population databases (rs770926082, gnomAD 0.2%). This variant has not been reported in the literature in individuals affected with ZNF469-related conditions. ClinVar contains an entry for this variant (Variation ID: 506649). An algorithm developed to predict the effect of missense changes on protein structure and function (PolyPhen-2) suggests that this variant¬†is likely to be tolerated. In summary, the available evidence is currently insufficient to determine the role of this variant in disease. Therefore, it has been classified as a Variant of Uncertain Significance.

Ambry Genetics
Classification: Likely benign for Cardiovascular phenotype. Last evaluated: 2022-12-16. Review status: criteria provided, single submitter. Criteria: Ambry Variant Classification Scheme 2023. Collection method: clinical testing. Allele origin: germline.

Genome Diagnostics Laboratory, The Hospital for Sick Children
Classification: Likely benign for Ehlers-Danlos syndrome. Last evaluated: 2022-06-10. Review status: criteria provided, single submitter. Criteria: ACMG Guidelines, 2015. Collection method: clinical testing. Allele origin: germline.

GeneDx
Classification: Likely benign. Last evaluated: 2021-01-27. Review status: criteria provided, single submitter. Criteria: GeneDx Variant Classification Process June 2021. Collection method: clinical testing. Allele origin: germline. Affected: yes.